The following is an entry in ClinVar:

NM_004977.3(KCNC3):c.*1172G>A

Gene: KCNC3 (potassium voltage-gated channel subfamily C member 3; minus strand). Cytogenetic location: 19q13.33.
Variant type: single nucleotide variant.
Coding change: c.*1172G>A on transcript NM_004977.3 (MANE Select); 1172 bases downstream of the stop codon, G replaced by A.
Molecular consequence: 3 prime UTR variant. On other transcripts: non-coding transcript variant (1).
Genome position (GRCh38, 1-based): chr19:50,314,943, C>T on the plus strand (G>A on the coding strand, the complement: KCNC3 is on the minus strand). VCF-style: chr19-50314943-C-T. GRCh37 (hg19) VCF-style: chr19-50818200-C-T.
Other names: c.*1172G>A (NM_001372305.1).
Identifiers: ClinVar variation 3777870 (VCV003777870.7).

ClinVar aggregate classification (germline): Benign (1 of 4 stars; one submission).

gnomAD v4.1: 468 of 302,466 alleles (0.15%); highest among the groups gnomAD compares: South Asian, 1.1%; 8 homozygotes.

Submission:

CeGaT Center for Human Genetics Tuebingen
Classification: Benign. Last evaluated: 2025-03-01. Review status: criteria provided, single submitter. Criteria: CeGaT Center For Human Genetics Tuebingen Variant Classification Criteria Version 2. Collection method: clinical testing. Allele origin: germline. Affected: yes. Observed: 1 variant allele.
Comment: KCNC3: BS1, BS2